The following is an entry in ClinVar:

ClinVar aggregate classification (germline): Uncertain significance (1 of 4 stars; one submission).

Conditions:
Spastic paraplegia. Identifiers: MedGen C0037772, HP:0001258.

Allele frequency attached by ClinVar (database versions not stated): gnomAD exomes 0.00002.
gnomAD v4.1: 40 of 1,613,732 alleles (0.0025%); highest among the groups gnomAD compares: Non-Finnish European, 0.0031%; no homozygotes.

Submission:

Labcorp Genetics (formerly Invitae), Labcorp
Classification: Uncertain significance for Spastic paraplegia. Last evaluated: 2022-07-02. Review status: criteria provided, single submitter. Criteria: Invitae Variant Classification Sherloc (09022015). Collection method: clinical testing. Allele origin: germline.
Comment: This sequence change replaces arginine, which is basic and polar, with tryptophan, which is neutral and slightly polar, at codon 2474 of the ZFYVE26 protein (p.Arg2474Trp). The frequency data for this variant in the population databases is considered unreliable, as metrics indicate poor data quality at this position in the gnomAD database. This variant has not been reported in the literature in individuals affected with ZFYVE26-related conditions. Algorithms developed to predict the effect of missense changes on protein structure and function are either unavailable or do not agree on the potential impact of this missense change (SIFT: "Deleterious"; PolyPhen-2: "Possibly Damaging"; Align-GVGD: "Class C0"). In summary, the available evidence is currently insufficient to determine the role of this variant in disease. Therefore, it has been classified as a Variant of Uncertain Significance.

NM_015346.4(ZFYVE26):c.7420C>T (p.Arg2474Trp)

Gene: ZFYVE26 (zinc finger FYVE-type containing 26; minus strand). Cytogenetic location: 14q24.1.
Variant type: single nucleotide variant.
Coding change: c.7420C>T on transcript NM_015346.4 (MANE Select); coding-DNA position 7420, C replaced by T.
Protein change: p.Arg2474Trp; replaces arginine 2474 with tryptophan.
Molecular consequence: missense variant.
Genome position (GRCh38, 1-based): chr14:67,748,636, G>A on the plus strand (C>T on the coding strand, the complement: ZFYVE26 is on the minus strand). VCF-style: chr14-67748636-G-A. GRCh37 (hg19) VCF-style: chr14-68215353-G-A.
Other names: short protein forms R2474W.
Identifiers: ClinVar variation 2141301 (VCV002141301.1), dbSNP rs756257064, ClinGen allele CA7238935.
Genomic context (GRCh38, chr14:67,748,636, plus strand): 5'-GTTCTTGCTTCACAGCAATCAAGTAGGCAGAACGCAGTTTGCAACATATCAGGTAGGCCC[G>A]AACCTGGCAGTCAGTTATAAGAGACAGCGGAAAGGCATCCATCACCGACAAATCAAGTAT-3'
Protein context (NP_056161.2, residues 2464-2484): QAIHNDDNKV[Arg2474Trp]AYLICCKLRS